The following is an entry in ClinVar:

ClinVar aggregate classification (germline): Pathogenic (0 of 4 stars; one submission).

Conditions:
Angelman syndrome (AS). Also called: HAPPY PUPPET SYNDROME. Identifiers: Orphanet 72, MedGen C0162635, MONDO:0007113, OMIM 105830. Disease mechanism: loss of function. Inheritance: AS is caused by disruption of maternally imprinted UBE3A located within the 15q11.2-q13 Angelman syndrome/Prader-Willi syndrome (AS/PWS) region., imprinting disorder.

Submission:

Baylor Genetics
Classification: Pathogenic for Angelman Syndrome. Last evaluated: 2014-02-14. Review status: no assertion criteria provided. Collection method: clinical testing. Allele origin: germline. Affected: yes. Observed: 1 variant allele. Study: UBE3A Mutation Study.
Comment: Data collected from clinical UBE3A sequence analysis results

Literature cited by the submitters: PubMed 25212744.

NM_130839.5(UBE3A):c.2125-2A>C

Genes: SNHG14 (small nucleolar RNA host gene 14; plus strand), UBE3A (ubiquitin protein ligase E3A; minus strand). Cytogenetic location: 15q11.2.
Variant type: single nucleotide variant.
Coding change: c.2125-2A>C on transcript NM_130839.5 (MANE Select); the canonical splice acceptor site of the intron before coding-DNA position 2125, A replaced by C.
Molecular consequence: splice acceptor variant. On other transcripts: intron variant (3).
Genome position (GRCh38, 1-based): chr15:25,354,685, T>G on the plus strand (A>C on the coding strand, the complement: UBE3A is on the minus strand). VCF-style: chr15-25354685-T-G. GRCh37 (hg19) VCF-style: chr15-25599832-T-G.
Other names: c.1948-2A>C (NM_001354546.2); c.814-2A>C (NM_001354551.2); c.1900-2A>C (NM_001354549.2); c.2065-259A>C (NM_001354548.2, NM_001354547.2); c.2065-2A>C (NM_130838.4, NM_001354542.2, NM_001354523.2 and 14 more transcripts); c.874-2A>C (NM_001354550.2); c.2125-259A>C (NM_001354545.2); c.2125-2A>C (NM_001354538.2, NM_001354505.1); and 1 more.
Identifiers: ClinVar variation 136202 (VCV000136202.1), dbSNP rs587780580, ClinGen allele CA333477.